The following is an entry in ClinVar:

ClinVar aggregate classification (germline): Uncertain significance. Review status: criteria provided, multiple submitters, no conflicts (2 of 4 stars). 2 submissions from 2 submitters: Uncertain significance (2). Last evaluated 2026-07-18.

Conditions:
KIDINS220-related disorder. Also called: KIDINS220-related condition.

Allele frequency attached by ClinVar (database versions not stated): gnomAD exomes below 0.00001; ExAC 0.00001.
gnomAD v4.1: 1 of 1,614,058 alleles (0.000062%); highest among the groups gnomAD compares: Non-Finnish European, 0.000085%; no homozygotes.

Submissions (2):

PreventionGenetics, part of Exact Sciences
Classification: Uncertain significance for KIDINS220-related condition. Last evaluated: 2026-07-18. Review status: criteria provided, single submitter. Criteria: ACMG Guidelines, 2015. Collection method: clinical testing. Allele origin: germline.
Comment: The KIDINS220 c.2612C>T variant is predicted to result in the amino acid substitution p.Thr871Ile. To our knowledge, this variant has not been reported in the literature. This variant is reported in 0.00088% of alleles in individuals of European (Non-Finnish) descent in gnomAD. At this time, the clinical significance of this variant is uncertain due to the absence of conclusive functional and genetic evidence.

Labcorp Genetics (formerly Invitae), Labcorp
Classification: Uncertain significance. Last evaluated: 2022-04-24. Review status: criteria provided, single submitter. Criteria: Invitae Variant Classification Sherloc (09022015). Collection method: clinical testing. Allele origin: germline.
Comment: This variant has not been reported in the literature in individuals affected with KIDINS220-related conditions. This variant is present in population databases (rs775294999, gnomAD 0.0009%). This sequence change replaces threonine, which is neutral and polar, with isoleucine, which is neutral and non-polar, at codon 871 of the KIDINS220 protein (p.Thr871Ile). Algorithms developed to predict the effect of missense changes on protein structure and function (SIFT, PolyPhen-2, Align-GVGD) all suggest that this variant is likely to be tolerated. In summary, the available evidence is currently insufficient to determine the role of this variant in disease. Therefore, it has been classified as a Variant of Uncertain Significance.

NM_020738.4(KIDINS220):c.2612C>T (p.Thr871Ile)

Gene: KIDINS220 (kinase D interacting substrate 220; minus strand). Cytogenetic location: 2p25.1.
Variant type: single nucleotide variant.
Coding change: c.2612C>T on transcript NM_020738.4 (MANE Select); coding-DNA position 2612, C replaced by T.
Protein change: p.Thr871Ile; replaces threonine 871 with isoleucine.
Molecular consequence: missense variant. On other transcripts: non-coding transcript variant (2).
Genome position (GRCh38, 1-based): chr2:8,778,898, G>A on the plus strand (C>T on the coding strand, the complement: KIDINS220 is on the minus strand). VCF-style: chr2-8778898-G-A. GRCh37 (hg19) VCF-style: chr2-8919028-G-A.
Other names: c.2615C>T, p.Thr872Ile (NM_001348729.2, NM_001348731.2, NM_001348734.2 and 3 more transcripts); c.2612C>T, p.Thr871Ile (NM_001348732.2, NM_001348735.2, NM_001348738.2 and 3 more transcripts); c.2486C>T, p.Thr829Ile (NM_001348736.2); c.2612C>T (NM_020738.2); short protein forms T872I, T871I, T829I.
Identifiers: ClinVar variation 2110480 (VCV002110480.3), dbSNP rs775294999, ClinGen allele CA1519940.